The following is an entry in ClinVar:

ClinVar aggregate classification (germline): Conflicting classifications of pathogenicity. Review status: criteria provided, conflicting classifications (1 of 4 stars). 2 submissions from 2 submitters: Uncertain significance (1); Likely benign (1). Last evaluated 2024-06-25.

Conditions:
Cardiovascular phenotype. Identifiers: MedGen CN230736.
Hereditary cancer-predisposing syndrome. Also called: Neoplastic Syndromes, Hereditary; Tumor predisposition; Hereditary Cancer Syndrome; Hereditary neoplastic syndrome. Identifiers: Orphanet 140162, MedGen C0027672, MeSH D009386, MONDO:0015356.

Submissions (2):

Ambry Genetics
Classification: Likely benign for Cardiovascular phenotype; Hereditary cancer-predisposing syndrome. Last evaluated: 2024-06-25. Review status: criteria provided, single submitter. Criteria: Ambry Variant Classification Scheme 2023. Collection method: clinical testing. Allele origin: germline.

GeneDx
Classification: Uncertain significance. Last evaluated: 2024-05-24. Review status: criteria provided, single submitter. Criteria: GeneDx Variant Classification Process June 2021. Collection method: clinical testing. Allele origin: germline. Affected: yes.
Comment: Not observed at significant frequency in large population cohorts (gnomAD); In silico analysis indicates that this variant does not alter splicing; Has not been previously published as pathogenic or benign to our knowledge

NM_006767.4(LZTR1):c.1641C>T (p.Ile547=)

Gene: LZTR1 (leucine zipper like post translational regulator 1; plus strand). Cytogenetic location: 22q11.21.
Variant type: single nucleotide variant.
Coding change: c.1641C>T on transcript NM_006767.4 (MANE Select); coding-DNA position 1641, C replaced by T.
Protein change: p.Ile547=; no amino-acid change (isoleucine 547 retained).
Molecular consequence: synonymous variant.
Genome position (GRCh38, 1-based): chr22:20,994,583, C>T. VCF-style: chr22-20994583-C-T. GRCh37 (hg19) VCF-style: chr22-21348872-C-T.
Identifiers: ClinVar variation 3381358 (VCV003381358.2).
Genomic context (GRCh38, chr22:20,994,583, plus strand): 5'-CCGGCTCCCTGAGATTCGGGGGCTCTGGGGCGCAGGCCATGTGGAGGATGTGCTGCTCAT[C>T]ATGGATGTGTACAAACTGGCACTGAGCTTCCAGTTGTGCCGCCTGGAGCAGCTGTGCCGC-3'
Protein context (NP_006758.2, residues 537-557): RKGHVEDVLL[Ile547=]MDVYKLALSF